The following is an entry in ClinVar:

NM_000038.6(APC):c.835-20A>G

Gene: APC (APC regulator of Wnt signaling pathway; plus strand). Cytogenetic location: 5q22.2.
Variant type: single nucleotide variant.
Coding change: c.835-20A>G on transcript NM_000038.6 (MANE Select); 20 bases into the intron before coding-DNA position 835, A replaced by G.
Molecular consequence: intron variant.
Genome position (GRCh38, 1-based): chr5:112,815,475, A>G. VCF-style: chr5-112815475-A-G. GRCh37 (hg19) VCF-style: chr5-112151172-A-G.
Other names: c.835-20A>G (NM_001354895.2, NM_001127510.3, NM_001354896.2 and 1 more transcripts); c.865-20A>G (NM_001354897.2, NM_001354902.2); c.781-20A>G (NM_001127511.3); c.760-20A>G (NM_001354898.2, NM_001354904.2); c.-15-20A>G (NM_001354906.2); c.751-20A>G (NM_001354899.2); c.658-20A>G (NM_001354900.2, NM_001354901.2, NM_001354905.2).
Identifiers: ClinVar variation 372069 (VCV000372069.15), dbSNP rs777546674, ClinGen allele CA050544.

ClinVar aggregate classification (germline): Likely benign. Review status: criteria provided, multiple submitters, no conflicts (2 of 4 stars). 6 submissions from 6 submitters: Likely benign (4). 2 of the submissions do not count toward it. Last evaluated 2025-05-28.

Conditions:
APC-related disorder. Also called: APC-related condition.
Hereditary cancer-predisposing syndrome. Also called: Tumor predisposition; Hereditary neoplastic syndrome; Neoplastic Syndromes, Hereditary; Hereditary Cancer Syndrome. Identifiers: Orphanet 140162, MedGen C0027672, MeSH D009386, MONDO:0015356.
Familial adenomatous polyposis 1 (FAP1). Also called: FAMILIAL ADENOMATOUS POLYPOSIS 1, ATTENUATED; POLYPOSIS, ADENOMATOUS INTESTINAL. Identifiers: MedGen C2713442, MONDO:0021056, OMIM 175100. Disease mechanism: loss of function.

Allele frequency attached by ClinVar (database versions not stated): ExAC 0.00001; gnomAD exomes 0.00002.
gnomAD v4.1: 5 of 1,584,152 alleles (0.00032%); highest among the groups gnomAD compares: Admixed American, 0.0017%; no homozygotes.

Submissions (6):

Labcorp Genetics (formerly Invitae), Labcorp
Classification: Likely benign for Familial adenomatous polyposis 1. Last evaluated: 2025-05-28. Review status: criteria provided, single submitter. Criteria: Invitae Variant Classification Sherloc (09022015). Collection method: clinical testing. Allele origin: germline.

KCCC/NGS Laboratory, Kuwait Cancer Control Center
Classification: Likely benign for Familial adenomatous polyposis 1. Last evaluated: 2023-07-07. Review status: criteria provided, single submitter. Criteria: ACMG Guidelines, 2015. Collection method: clinical testing. Allele origin: germline. Affected: yes.

Myriad Genetics, Inc.
Classification: Likely benign for Familial adenomatous polyposis 1. Last evaluated: 2023-02-15. Review status: criteria provided, single submitter. Criteria: Myriad Autosomal Dominant, Autosomal Recessive and X-Linked Classification Criteria (2023). Collection method: clinical testing. Allele origin: unknown.
Comment: This variant is considered likely benign. This variant is intronic and is not expected to impact mRNA splicing.

Color Diagnostics, LLC DBA Color Health
Classification: Likely benign for Hereditary cancer-predisposing syndrome. Last evaluated: 2017-05-10. Review status: criteria provided, single submitter. Criteria: ACMG Guidelines, 2015. Collection method: clinical testing. Allele origin: germline.

PreventionGenetics, part of Exact Sciences
Classification: Likely benign for APC-related condition. Last evaluated: 2020-08-06. Review status: no assertion criteria provided. Collection method: clinical testing. Allele origin: germline. Not counted in ClinVar's aggregate classification.
Comment: This variant is classified as likely benign based on ACMG/AMP sequence variant interpretation guidelines (Richards et al. 2015 PMID: 25741868, with internal and published modifications).

Counsyl
Classification: Likely benign for Familial adenomatous polyposis 1. Last evaluated: 2016-11-10. Review status: no assertion criteria provided. Collection method: clinical testing. Allele origin: unknown. Not counted in ClinVar's aggregate classification.